The following is an entry in ClinVar:

NM_005045.4(RELN):c.4823A>G (p.Asp1608Gly)

Gene: RELN (reelin; minus strand). Cytogenetic location: 7q22.1.
Variant type: single nucleotide variant.
Coding change: c.4823A>G on transcript NM_005045.4 (MANE Select); coding-DNA position 4823, A replaced by G.
Protein change: p.Asp1608Gly; replaces aspartic acid 1608 with glycine.
Molecular consequence: missense variant.
Genome position (GRCh38, 1-based): chr7:103,566,337, T>C on the plus strand (A>G on the coding strand, the complement: RELN is on the minus strand). VCF-style: chr7-103566337-T-C. GRCh37 (hg19) VCF-style: chr7-103206784-T-C.
Other names: c.4823A>G, p.Asp1608Gly (NM_173054.3); short protein forms D1608G.
Identifiers: ClinVar variation 3756999 (VCV003756999.2).

ClinVar aggregate classification (germline): Uncertain significance (1 of 4 stars; one submission).

Conditions:
Familial temporal lobe epilepsy 7. Identifiers: Orphanet 101046, MedGen C4225327, MONDO:0014639, OMIM 616436.
Norman-Roberts syndrome (LIS2). Also called: Lissencephaly 2 (Norman-Roberts type). Identifiers: Orphanet 89844, MedGen C0796089, MONDO:0009760, OMIM 257320.

Submission:

Labcorp Genetics (formerly Invitae), Labcorp
Classification: Uncertain significance for Familial temporal lobe epilepsy 7; Norman-Roberts syndrome. Last evaluated: 2024-06-26. Review status: criteria provided, single submitter. Criteria: Invitae Variant Classification Sherloc (09022015). Collection method: clinical testing. Allele origin: germline.
Comment: This sequence change replaces aspartic acid, which is acidic and polar, with glycine, which is neutral and non-polar, at codon 1608 of the RELN protein (p.Asp1608Gly). This variant is not present in population databases (gnomAD no frequency). This variant has not been reported in the literature in individuals affected with RELN-related conditions. Advanced modeling of protein sequence and biophysical properties (such as structural, functional, and spatial information, amino acid conservation, physicochemical variation, residue mobility, and thermodynamic stability) performed at Invitae indicates that this missense variant is not expected to disrupt RELN protein function with a negative predictive value of 80%. In summary, the available evidence is currently insufficient to determine the role of this variant in disease. Therefore, it has been classified as a Variant of Uncertain Significance.